The following is an entry in ClinVar:

ClinVar aggregate classification (germline): Uncertain significance. Review status: criteria provided, multiple submitters, no conflicts (2 of 4 stars). 2 submissions from 2 submitters: Uncertain significance (2). Last evaluated 2026-09-04.

Conditions:
Hereditary cancer-predisposing syndrome. Also called: Neoplastic Syndromes, Hereditary; Hereditary Cancer Syndrome; Hereditary neoplastic syndrome; Tumor predisposition. Identifiers: Orphanet 140162, MedGen C0027672, MeSH D009386, MONDO:0015356.

Submissions (2):

Ambry Genetics
Classification: Uncertain significance for Hereditary cancer-predisposing syndrome. Last evaluated: 2026-09-04. Review status: criteria provided, single submitter. Criteria: Ambry Variant Classification Scheme 2023. Collection method: clinical testing. Allele origin: germline.
Comment: The p.P326S variant (also known as c.976C>T), located in coding exon 10 of the POLE gene, results from a C to T substitution at nucleotide position 976. The proline at codon 326 is replaced by serine, an amino acid with similar properties. This amino acid position is well conserved in available vertebrate species. In addition, this alteration is predicted to be tolerated by in silico analysis. Based on the available evidence, the clinical significance of this variant remains unclear.

Labcorp Genetics (formerly Invitae), Labcorp
Classification: Uncertain significance. Last evaluated: 2018-07-13. Review status: criteria provided, single submitter. Criteria: Invitae Variant Classification Sherloc (09022015). Collection method: clinical testing. Allele origin: germline.
Comment: This sequence change replaces proline with serine at codon 326 of the POLE protein (p.Pro326Ser). The proline residue is highly conserved and there is a moderate physicochemical difference between proline and serine. This variant is not present in population databases (ExAC no frequency). This variant has not been reported in the literature in individuals with POLE-related disease. Algorithms developed to predict the effect of missense changes on protein structure and function (SIFT, PolyPhen-2, Align-GVGD) all suggest that this variant is likely to be disruptive, but these predictions have not been confirmed by published functional studies and their clinical significance is uncertain. In summary, the available evidence is currently insufficient to determine the role of this variant in disease. Therefore, it has been classified as a Variant of Uncertain Significance.

NM_006231.4(POLE):c.976C>T (p.Pro326Ser)

Gene: POLE (DNA polymerase epsilon, catalytic subunit; minus strand). Cytogenetic location: 12q24.33.
Variant type: single nucleotide variant.
Coding change: c.976C>T on transcript NM_006231.4 (MANE Select); coding-DNA position 976, C replaced by T.
Protein change: p.Pro326Ser; replaces proline 326 with serine.
Molecular consequence: missense variant.
Genome position (GRCh38, 1-based): chr12:132,676,138, G>A on the plus strand (C>T on the coding strand, the complement: POLE is on the minus strand). VCF-style: chr12-132676138-G-A. GRCh37 (hg19) VCF-style: chr12-133252724-G-A.
Other names: c.976C>T (NM_006231.2); short protein forms P326S.
Identifiers: ClinVar variation 652373 (VCV000652373.9), dbSNP rs1565976104, ClinGen allele CA387363662.